The following is an entry in ClinVar:

ClinVar aggregate classification (germline): Uncertain significance (1 of 4 stars; one submission).

Conditions:
Xeroderma pigmentosum, group F (XPF). Also called: XERODERMA PIGMENTOSUM, COMPLEMENTATION GROUP F; XERODERMA PIGMENTOSUM VI; XP, GROUP F; ERCC4-Related Xeroderma Pigmentosum; XERODERMA PIGMENTOSUM, TYPE F; Xeroderma pigmentosum, type 6. Identifiers: MedGen C0268140, MONDO:0010215, OMIM 278760.
Fanconi anemia complementation group Q. Identifiers: Orphanet 84, MedGen C3808988, MONDO:0014108, OMIM 615272.
Cockayne syndrome. Identifiers: Orphanet 191, MedGen C0009207, MONDO:0016006.

gnomAD v4.1: 1 of 1,614,186 alleles (0.000062%); highest among the groups gnomAD compares: South Asian, 0.0011%; no homozygotes.

Submission:

Labcorp Genetics (formerly Invitae), Labcorp
Classification: Uncertain significance for Fanconi anemia complementation group Q; Xeroderma pigmentosum, group F; Cockayne syndrome. Last evaluated: 2025-12-25. Review status: criteria provided, single submitter. Criteria: Invitae Variant Classification Sherloc (09022015). Collection method: clinical testing. Allele origin: germline.
Comment: This sequence change replaces alanine, which is neutral and non-polar, with glycine, which is neutral and non-polar, at codon 877 of the ERCC4 protein (p.Ala877Gly). This variant is present in population databases (rs755713614, gnomAD 0.003%). This variant has not been reported in the literature in individuals affected with ERCC4-related conditions. Invitae Evidence Modeling of protein sequence and biophysical properties (such as structural, functional, and spatial information, amino acid conservation, physicochemical variation, residue mobility, and thermodynamic stability) indicates that this missense variant is not expected to disrupt ERCC4 protein function with a negative predictive value of 80%. In summary, the available evidence is currently insufficient to determine the role of this variant in disease. Therefore, it has been classified as a Variant of Uncertain Significance.

NM_005236.3(ERCC4):c.2630C>G (p.Ala877Gly)

Gene: ERCC4 (ERCC excision repair 4, endonuclease catalytic subunit; plus strand). Cytogenetic location: 16p13.12.
Variant type: single nucleotide variant.
Coding change: c.2630C>G on transcript NM_005236.3 (MANE Select); coding-DNA position 2630, C replaced by G.
Protein change: p.Ala877Gly; replaces alanine 877 with glycine.
Molecular consequence: missense variant.
Genome position (GRCh38, 1-based): chr16:13,948,226, C>G. VCF-style: chr16-13948226-C-G. GRCh37 (hg19) VCF-style: chr16-14042083-C-G.
Other names: short protein forms A877G.
Identifiers: ClinVar variation 4787429 (VCV004787429.1).